The following is an entry in ClinVar:

ClinVar aggregate classification (germline): Conflicting classifications of pathogenicity. Review status: criteria provided, conflicting classifications (1 of 4 stars). 6 submissions from 6 submitters: Likely pathogenic (1); Uncertain significance (5). Last evaluated 2024-05-13.

Conditions:
RYR1-related disorder. Also called: RYR1-related disorders; RYR1-related condition. Identifiers: MedGen CN239331.
Malignant hyperthermia, susceptibility to, 1 (MHS1). Also called: RYR1-Related Malignant Hyperthermia Susceptibility; Anesthesia related hyperthermia; Malignant hyperpyrexia; Fulminating hyperpyrexia; Pharmacogenic myopathy; Malignant hyperthermia suceptibility 1. Identifiers: Orphanet 423, MedGen C2930980, MONDO:0007783, OMIM 145600.

Allele frequency attached by ClinVar (database versions not stated): ExAC 0.00001; gnomAD exomes 0.00001 and 0.00002; TOPMed 0.00002; gnomAD 0.00003.
gnomAD v4.1: 24 of 1,613,938 alleles (0.0015%); highest among the groups gnomAD compares: Admixed American, 0.005%; no homozygotes.

Submissions (6):

Women's Health and Genetics/Laboratory Corporation of America, LabCorp
Classification: Uncertain significance. Last evaluated: 2024-05-13. Review status: criteria provided, single submitter. Criteria: LabCorp Variant Classification Summary - May 2015. Collection method: clinical testing. Allele origin: germline.
Comment: Variant summary: RYR1 c.9811G>A (p.Glu3271Lys) results in a conservative amino acid change in the encoded protein sequence. Four of five in-silico tools predict a damaging effect of the variant on protein function. The variant allele was found at a frequency of 1.6e-05 in 250630 control chromosomes. The available data on variant occurrences in the general population are insufficient to allow any conclusion about variant significance. c.9811G>A has been reported in the literature in at least one individual affected with myopathy who also had a second missense variant of uncertain significance in cis (on the same chromosome) (e.g. Snoeck_2015). These report(s) do not provide unequivocal conclusions about association of the variant with Congenital Multicore Myopathy With External Ophthalmoplegia. To our knowledge, no experimental evidence demonstrating an impact on protein function has been reported. The following publication have been ascertained in the context of this evaluation (PMID: 25960145). ClinVar contains an entry for this variant (Variation ID: 934660). Based on the evidence outlined above, the variant was classified as uncertain significance.

All of Us Research Program, National Institutes of Health
Classification: Uncertain significance for Malignant hyperthermia, susceptibility to, 1. Last evaluated: 2024-04-25. Review status: criteria provided, single submitter. Criteria: ACMG Guidelines, 2015. Collection method: clinical testing. Allele origin: germline. Inheritance: Autosomal dominant inheritance. Observed: 4 variant alleles, 4 heterozygotes.
Comment: This missense variant replaces glutamic acid with lysine at codon 3271 of the RYR1 protein. Computational prediction is inconclusive regarding the impact of this variant on protein structure and function.. To our knowledge, functional studies have not been reported for this variant. This variant has not been reported in individuals affected with autosomal dominant malignant hyperthermia in the literature, although it is associated with other phenotype(s) (ClinVar variation ID: 934660). This variant has been identified in 5/281938 chromosomes in the general population by the Genome Aggregation Database (gnomAD). Due to insufficient evidence, this variant is classified as a Variant of Uncertain Significance for autosomal dominant malignant hyperthermia.

This study involves interpretation of variants in research participants for the purpose of population health screening. Participant phenotype was not available at the time of variant classification. Additional details can be found in publication PMID: 35346344, PMCID: PMC8962531

Color Diagnostics, LLC DBA Color Health
Classification: Uncertain significance for Malignant hyperthermia, susceptibility to, 1. Last evaluated: 2024-04-17. Review status: criteria provided, single submitter. Criteria: ACMG Guidelines, 2015. Collection method: clinical testing. Allele origin: germline.
Comment: This missense variant replaces glutamic acid with lysine at codon 3271 of the RYR1 protein. Computational prediction is inconclusive regarding the impact of this variant on protein structure and function.. To our knowledge, functional studies have not been reported for this variant. This variant has not been reported in individuals affected with autosomal dominant malignant hyperthermia in the literature, although it is associated with other phenotype(s) (ClinVar variation ID: 934660). This variant has been identified in 5/281938 chromosomes in the general population by the Genome Aggregation Database (gnomAD). Due to insufficient evidence, this variant is classified as a Variant of Uncertain Significance for autosomal dominant malignant hyperthermia.

Labcorp Genetics (formerly Invitae), Labcorp
Classification: Uncertain significance for RYR1-related disorder. Last evaluated: 2023-11-28. Review status: criteria provided, single submitter. Criteria: Invitae Variant Classification Sherloc (09022015). Collection method: clinical testing. Allele origin: germline.
Comment: This sequence change replaces glutamic acid, which is acidic and polar, with lysine, which is basic and polar, at codon 3271 of the RYR1 protein (p.Glu3271Lys). This variant is present in population databases (rs773026490, gnomAD 0.009%). This missense change has been observed in individual(s) with multiminicore disease (PMID: 25960145). ClinVar contains an entry for this variant (Variation ID: 934660). Advanced modeling of protein sequence and biophysical properties (such as structural, functional, and spatial information, amino acid conservation, physicochemical variation, residue mobility, and thermodynamic stability) performed at Invitae indicates that this missense variant is expected to disrupt RYR1 protein function with a positive predictive value of 95%. In summary, the available evidence is currently insufficient to determine the role of this variant in disease. Therefore, it has been classified as a Variant of Uncertain Significance.

GeneDx
Classification: Likely pathogenic. Last evaluated: 2021-10-25. Review status: criteria provided, single submitter. Criteria: GeneDx Variant Classification Process June 2021. Collection method: clinical testing. Allele origin: germline. Affected: yes.
Comment: Identified on the same allele (in cis) with another RYR1 variant and inherited from an unaffected parent in a patient with multiminicore disease in published literature (Snoeck et al., 2015); Not observed at significant frequency in large population cohorts (Lek et al., 2016); In silico analysis supports that this missense variant has a deleterious effect on protein structure/function; This variant is associated with the following publications: (PMID: 25960145)

Mayo Clinic Laboratories, Mayo Clinic
Classification: Uncertain significance. Last evaluated: 2020-08-05. Review status: criteria provided, single submitter. Criteria: ACMG Guidelines, 2015. Collection method: clinical testing. Allele origin: germline. Observed: 1 variant allele.

Literature cited by the submitters: PubMed 25960145 (cited by Women's Health and Genetics/Laboratory Corporation of America, LabCorp and Labcorp Genetics (formerly Invitae), Labcorp).

NM_000540.3(RYR1):c.9811G>A (p.Glu3271Lys)

Gene: RYR1 (ryanodine receptor 1; plus strand). Cytogenetic location: 19q13.2.
Variant type: single nucleotide variant.
Coding change: c.9811G>A on transcript NM_000540.3 (MANE Select); coding-DNA position 9811, G replaced by A.
Protein change: p.Glu3271Lys; replaces glutamic acid 3271 with lysine.
Molecular consequence: missense variant.
Genome position (GRCh38, 1-based): chr19:38,517,484, G>A. VCF-style: chr19-38517484-G-A. GRCh37 (hg19) VCF-style: chr19-39008124-G-A.
Other names: c.9811G>A, p.Glu3271Lys (NM_001042723.2); short protein forms E3271K.
Identifiers: ClinVar variation 934660 (VCV000934660.19), dbSNP rs773026490, ClinGen allele CA074183.